The following is an entry in ClinVar:

NM_012293.3(PXDN):c.655G>A (p.Ala219Thr)

Gene: PXDN (peroxidasin; minus strand). Cytogenetic location: 2p25.3.
Variant type: single nucleotide variant.
Coding change: c.655G>A on transcript NM_012293.3 (MANE Select); coding-DNA position 655, G replaced by A.
Protein change: p.Ala219Thr; replaces alanine 219 with threonine.
Molecular consequence: missense variant.
Genome position (GRCh38, 1-based): chr2:1,680,268, C>T on the plus strand (G>A on the coding strand, the complement: PXDN is on the minus strand). VCF-style: chr2-1680268-C-T. GRCh37 (hg19) VCF-style: chr2-1684040-C-T.
Other names: short protein forms A219T.
Identifiers: ClinVar variation 3390148 (VCV003390148.14).

ClinVar aggregate classification (germline): Uncertain significance (1 of 4 stars; one submission).

gnomAD v4.1: 1 of 1,613,706 alleles (0.000062%); highest among the groups gnomAD compares: African/African-American, 0.0013%; no homozygotes.

Submission:

CeGaT Center for Human Genetics Tuebingen
Classification: Uncertain significance. Last evaluated: 2026-04-01. Review status: criteria provided, single submitter. Criteria: CeGaT Center For Human Genetics Tuebingen Variant Classification Criteria Version 2. Collection method: clinical testing. Allele origin: germline. Affected: yes. Observed: 3 variant alleles.
Comment: PXDN: PM2